The following is an entry in ClinVar:

ClinVar aggregate classification (germline): Uncertain significance. Review status: criteria provided, multiple submitters, no conflicts (2 of 4 stars). 2 submissions from 2 submitters: Uncertain significance (2). Last evaluated 2025-01-29.

Conditions:
Inborn genetic diseases. Identifiers: MedGen C0950123, MeSH D030342.
Cerebral creatine deficiency syndrome. Also called: Creatine deficiency syndromes. Identifiers: Orphanet 79172, MedGen C5244016, MONDO:0000456.

Allele frequency attached by ClinVar (database versions not stated): gnomAD exomes below 0.00001; ExAC 0.00001.
gnomAD v4.1: 4 of 1,611,244 alleles (0.00025%); highest among the groups gnomAD compares: Admixed American, 0.005%; no homozygotes.

Submissions (2):

Ambry Genetics
Classification: Uncertain significance for Inborn genetic diseases. Last evaluated: 2025-01-29. Review status: criteria provided, single submitter. Criteria: Ambry Variant Classification Scheme 2023. Collection method: clinical testing. Allele origin: germline.

Labcorp Genetics (formerly Invitae), Labcorp
Classification: Uncertain significance for Cerebral creatine deficiency syndrome. Last evaluated: 2021-09-02. Review status: criteria provided, single submitter. Criteria: Invitae Variant Classification Sherloc (09022015). Collection method: clinical testing. Allele origin: germline.
Comment: This sequence change replaces methionine with lysine at codon 212 of the GAMT protein (p.Met212Lys). The methionine residue is moderately conserved and there is a moderate physicochemical difference between methionine and lysine. This variant is present in population databases (rs773026080, ExAC 0.009%). This variant has not been reported in the literature in individuals affected with GAMT-related conditions. Algorithms developed to predict the effect of missense changes on protein structure and function (SIFT, PolyPhen-2, Align-GVGD) all suggest that this variant is likely to be tolerated. In summary, the available evidence is currently insufficient to determine the role of this variant in disease. Therefore, it has been classified as a Variant of Uncertain Significance.

NM_000156.6(GAMT):c.635T>A (p.Met212Lys)

Gene: GAMT (guanidinoacetate N-methyltransferase; minus strand). Cytogenetic location: 19p13.3.
Variant type: single nucleotide variant.
Coding change: c.635T>A on transcript NM_000156.6 (MANE Select); coding-DNA position 635, T replaced by A.
Protein change: p.Met212Lys; replaces methionine 212 with lysine.
Molecular consequence: missense variant.
Genome position (GRCh38, 1-based): chr19:1,397,435, A>T on the plus strand (T>A on the coding strand, the complement: GAMT is on the minus strand). VCF-style: chr19-1397435-A-T. GRCh37 (hg19) VCF-style: chr19-1397434-A-T.
Other names: short protein forms M212K.
Identifiers: ClinVar variation 1753053 (VCV001753053.5), dbSNP rs773026080, ClinGen allele CA9043549.